The following is an entry in ClinVar:

NM_022132.5(MCCC2):c.1432G>C (p.Ala478Pro)

Gene: MCCC2 (methylcrotonyl-CoA carboxylase subunit 2; plus strand). Cytogenetic location: 5q13.2.
Variant type: single nucleotide variant.
Coding change: c.1432G>C on transcript NM_022132.5 (MANE Select); coding-DNA position 1432, G replaced by C.
Protein change: p.Ala478Pro; replaces alanine 478 with proline.
Molecular consequence: missense variant.
Genome position (GRCh38, 1-based): chr5:71,650,127, G>C. VCF-style: chr5-71650127-G-C. GRCh37 (hg19) VCF-style: chr5-70945954-G-C.
Other names: c.1318G>C, p.Ala440Pro (NM_001363147.1); short protein forms A440P, A478P.
Identifiers: ClinVar variation 3895698 (VCV003895698.1).
Genomic context (GRCh38, chr5:71,650,127, plus strand): 5'-AGCCCAAGATTTCTCTACATTTGGCCAAATGCTCGTATCTCAGTGATGGGAGGAGAGCAG[G>C]CAGCCAATGTGTTGGCCACGATAACAAAGGACCAAAGAGCCCGGGAAGGAAAGCAGGTCG-3'
Protein context (NP_071415.1, residues 468-488): ARISVMGGEQ[Ala478Pro]ANVLATITKD

ClinVar aggregate classification (germline): Uncertain significance (1 of 4 stars; one submission).

Submission:

Women's Health and Genetics/Laboratory Corporation of America, LabCorp
Classification: Uncertain significance. Last evaluated: 2025-03-12. Review status: criteria provided, single submitter. Criteria: LabCorp Variant Classification Summary - May 2015. Collection method: clinical testing. Allele origin: germline.
Comment: Variant summary: MCCC2 c.1432G>C (p.Ala478Pro) results in a non-conservative amino acid change in the encoded protein sequence. Five of five in-silico tools predict a damaging effect of the variant on protein function. The frequency data for this variant in gnomAD is considered unreliable, as metrics indicate poor data quality at this position. c.1432G>C has been reported in the literature in at least one compound heterozygous individual affected with Methylcrotonyl-CoA Carboxylase Deficiency (e.g. Cheng_2023). These report(s) do not provide unequivocal conclusions about association of the variant with Methylcrotonyl-CoA Carboxylase Deficiency. To our knowledge, no experimental evidence demonstrating an impact on protein function has been reported. The following publication has been ascertained in the context of this evaluation (PMID: 36822454). No submitters have cited clinical-significance assessments for this variant to ClinVar. Based on the evidence outlined above, the variant was classified as uncertain significance.

Literature cited by the submitters: PubMed 36822454.